The following is an entry in ClinVar:

NM_020812.4(DOCK6):c.5076C>T (p.Gly1692=)

Genes: DOCK6 (dedicator of cytokinesis 6; minus strand), DOCK6-AS1 (DOCK6 antisense RNA 1; plus strand). Cytogenetic location: 19p13.2.
Variant type: single nucleotide variant.
Coding change: c.5076C>T on transcript NM_020812.4 (MANE Select); coding-DNA position 5076, C replaced by T.
Protein change: p.Gly1692=; no amino-acid change (glycine 1692 retained).
Molecular consequence: synonymous variant.
Genome position (GRCh38, 1-based): chr19:11,208,698, G>A on the plus strand (C>T on the coding strand, the complement: DOCK6 is on the minus strand). VCF-style: chr19-11208698-G-A. GRCh37 (hg19) VCF-style: chr19-11319374-G-A.
Other names: c.5181C>T, p.Gly1727= (NM_001367830.1).
Identifiers: ClinVar variation 2649317 (VCV002649317.24), dbSNP rs2512957561, ClinGen allele CA505746605.
Genomic context (GRCh38, chr19:11,208,698, plus strand): 5'-CTCCCTGGCCCGAGCCCCCTCTCCTGCACCCAGTCCCCAAGGCCTCACCATGGTGAAGTA[G>A]CCGGCTGCCTGTTCCAGCAACCCTACCAGCCCCAGCTCAGTGAAGTGCTTCCCGGAGCAG-3'
Protein context (NP_065863.2, residues 1682-1702): GLVGLLEQAA[Gly1692=]YFTMGGLYEA

ClinVar aggregate classification (germline): Likely benign (1 of 4 stars; one submission).

Submission:

CeGaT Center for Human Genetics Tuebingen
Classification: Likely benign. Last evaluated: 2022-06-01. Review status: criteria provided, single submitter. Criteria: CeGaT Center For Human Genetics Tuebingen Variant Classification Criteria Version 2. Collection method: clinical testing. Allele origin: germline. Affected: yes. Observed: 1 variant allele.
Comment: DOCK6: PM2:Supporting, BP4, BP7